The following is an entry in ClinVar:

NM_033305.3(VPS13A):c.7419+1G>A

Gene: VPS13A (vacuolar protein sorting 13 homolog A; plus strand). Cytogenetic location: 9q21.2.
Variant type: single nucleotide variant.
Coding change: c.7419+1G>A on transcript NM_033305.3 (MANE Select); the canonical splice donor site of the intron after coding-DNA position 7419, G replaced by A.
Molecular consequence: splice donor variant.
Genome position (GRCh38, 1-based): chr9:77,351,447, G>A. VCF-style: chr9-77351447-G-A. GRCh37 (hg19) VCF-style: chr9-79966363-G-A.
Other names: c.7302+1G>A (NM_001018037.2); c.7419+1G>A (NM_015186.4, NM_001018038.3).
Identifiers: ClinVar variation 1323748 (VCV001323748.7), dbSNP rs763654348, ClinGen allele CA5093315.

ClinVar aggregate classification (germline): Pathogenic/Likely pathogenic. Review status: criteria provided, multiple submitters, no conflicts (2 of 4 stars). 2 submissions from 2 submitters: Pathogenic (1); Likely pathogenic (1). Last evaluated 2023-05-09.

Conditions:
VPS13A-related neurodegenerative disease. Also called: VPS13A Disease; LEVINE-CRITCHLEY SYNDROME; Choreoacanthocytosis; Chorea-acanthocytosis; ACANTHOCYTOSIS WITH NEUROLOGIC DISORDER; Choreaacanthocytosis. Identifiers: Orphanet 2388, MedGen C0393576, MONDO:0008695, OMIM 200150.

Allele frequency attached by ClinVar (database versions not stated): gnomAD exomes below 0.00001; ExAC 0.00001.
gnomAD v4.1: 1 of 1,612,878 alleles (0.000062%); highest among the groups gnomAD compares: South Asian, 0.0011%; no homozygotes.

Submissions (2):

Labcorp Genetics (formerly Invitae), Labcorp
Classification: Likely pathogenic. Last evaluated: 2023-05-09. Review status: criteria provided, single submitter. Criteria: Invitae Variant Classification Sherloc (09022015). Collection method: clinical testing. Allele origin: germline.
Comment: In summary, the currently available evidence indicates that the variant is pathogenic, but additional data are needed to prove that conclusively. Therefore, this variant has been classified as Likely Pathogenic. Algorithms developed to predict the effect of sequence changes on RNA splicing suggest that this variant may disrupt the consensus splice site. ClinVar contains an entry for this variant (Variation ID: 1323748). This variant has not been reported in the literature in individuals affected with VPS13A-related conditions. This variant is present in population databases (rs763654348, gnomAD 0.003%). This sequence change affects a donor splice site in intron 53 of the VPS13A gene. It is expected to disrupt RNA splicing. Variants that disrupt the donor or acceptor splice site typically lead to a loss of protein function (PMID: 16199547), and loss-of-function variants in VPS13A are known to be pathogenic (PMID: 12404112, 21598378).

Revvity Omics, Revvity
Classification: Pathogenic for VPS13A-related neurodegenerative disease. Last evaluated: 2019-12-12. Review status: criteria provided, single submitter. Criteria: ACMG Guidelines, 2015. Collection method: clinical testing. Allele origin: germline.

Literature cited by the submitters: PubMed 16199547 (cited by Labcorp Genetics (formerly Invitae), Labcorp); PubMed 12404112 (cited by Labcorp Genetics (formerly Invitae), Labcorp); PubMed 21598378 (cited by Labcorp Genetics (formerly Invitae), Labcorp).